The following is an entry in ClinVar:

NM_022173.4(TIA1):c.572G>T (p.Ser191Ile)

Gene: TIA1 (TIA1 cytotoxic granule associated RNA binding protein; minus strand). Cytogenetic location: 2p13.3.
Variant type: single nucleotide variant.
Coding change: c.572G>T on transcript NM_022173.4 (MANE Select); coding-DNA position 572, G replaced by T.
Protein change: p.Ser191Ile; replaces serine 191 with isoleucine.
Molecular consequence: missense variant. On other transcripts: non-coding transcript variant (17).
Genome position (GRCh38, 1-based): chr2:70,216,897, C>A on the plus strand (G>T on the coding strand, the complement: TIA1 is on the minus strand). VCF-style: chr2-70216897-C-A. GRCh37 (hg19) VCF-style: chr2-70444029-C-A.
Other names: c.572G>T, p.Ser191Ile (NM_001351508.2, NM_001351516.2, NM_001351518.2); c.545G>T, p.Ser182Ile (NM_001351509.2); c.539G>T, p.Ser180Ile (NM_001351510.2, NM_022037.4); c.461G>T, p.Ser154Ile (NM_001351511.1); c.434G>T, p.Ser145Ile (NM_001351512.1); c.428G>T, p.Ser143Ile (NM_001351513.1); c.344G>T, p.Ser115Ile (NM_001351514.2); c.269G>T, p.Ser90Ile (NM_001351515.2); and 1 more; short protein forms S115I, S143I, S145I, S154I, S180I, S182I, S191I, S51I.
Identifiers: ClinVar variation 1717357 (VCV001717357.5), dbSNP rs2466587051, ClinGen allele CA347152817.

ClinVar aggregate classification (germline): Uncertain significance (1 of 4 stars; one submission).

Conditions:
Welander distal myopathy (WDM). Also called: Welander distal myopathy, Swedish type; Distal myopathy, Swedish type; Gower's muscular dystrophy; MUSCULAR DYSTROPHY, DISTAL, LATE-ONSET, AUTOSOMAL DOMINANT. Identifiers: Orphanet 603, MedGen C0221054, MONDO:0011466, OMIM 604454.

Submission:

Labcorp Genetics (formerly Invitae), Labcorp
Classification: Uncertain significance for Welander distal myopathy. Last evaluated: 2025-10-01. Review status: criteria provided, single submitter. Criteria: Invitae Variant Classification Sherloc (09022015). Collection method: clinical testing. Allele origin: germline.
Comment: This sequence change replaces serine, which is neutral and polar, with isoleucine, which is neutral and non-polar, at codon 191 of the TIA1 protein (p.Ser191Ile). This variant is not present in population databases (gnomAD no frequency). This variant has not been reported in the literature in individuals affected with TIA1-related conditions. ClinVar contains an entry for this variant (Variation ID: 1717357). Invitae Evidence Modeling of protein sequence and biophysical properties (such as structural, functional, and spatial information, amino acid conservation, physicochemical variation, residue mobility, and thermodynamic stability) indicates that this missense variant is not expected to disrupt TIA1 protein function with a negative predictive value of 80%. In summary, the available evidence is currently insufficient to determine the role of this variant in disease. Therefore, it has been classified as a Variant of Uncertain Significance.